The following is an entry in ClinVar:

ClinVar aggregate classification (germline): Uncertain significance (1 of 4 stars; one submission).

Submission:

Labcorp Genetics (formerly Invitae), Labcorp
Classification: Uncertain significance. Last evaluated: 2023-04-14. Review status: criteria provided, single submitter. Criteria: Invitae Variant Classification Sherloc (09022015). Collection method: clinical testing. Allele origin: germline.
Comment: This sequence change replaces serine, which is neutral and polar, with threonine, which is neutral and polar, at codon 549 of the LRRK1 protein (p.Ser549Thr). This variant is not present in population databases (gnomAD no frequency). This variant has not been reported in the literature in individuals affected with LRRK1-related conditions. An algorithm developed to predict the effect of missense changes on protein structure and function (PolyPhen-2) suggests that this variant is likely to be tolerated. In summary, the available evidence is currently insufficient to determine the role of this variant in disease. Therefore, it has been classified as a Variant of Uncertain Significance.

NM_024652.6(LRRK1):c.1645T>A (p.Ser549Thr)

Gene: LRRK1 (leucine rich repeat kinase 1; plus strand). Cytogenetic location: 15q26.3.
Variant type: single nucleotide variant.
Coding change: c.1645T>A on transcript NM_024652.6 (MANE Select); coding-DNA position 1645, T replaced by A.
Protein change: p.Ser549Thr; replaces serine 549 with threonine.
Molecular consequence: missense variant.
Genome position (GRCh38, 1-based): chr15:101,021,088, T>A. VCF-style: chr15-101021088-T-A. GRCh37 (hg19) VCF-style: chr15-101561293-T-A.
Other names: short protein forms S549T.
Identifiers: ClinVar variation 2856307 (VCV002856307.3), dbSNP rs1459531837, ClinGen allele CA393961283.